The following is an entry in ClinVar:

NM_000666.3(ACY1):c.280G>A (p.Asp94Asn)

Genes: ABHD14A-ACY1 (ABHD14A-ACY1 readthrough; plus strand), ACY1 (aminoacylase 1; plus strand). Cytogenetic location: 3p21.2.
Variant type: single nucleotide variant.
Coding change: c.280G>A on transcript NM_000666.3 (MANE Select); coding-DNA position 280, G replaced by A.
Protein change: p.Asp94Asn; replaces aspartic acid 94 with asparagine.
Molecular consequence: missense variant.
Genome position (GRCh38, 1-based): chr3:51,985,867, G>A. VCF-style: chr3-51985867-G-A. GRCh37 (hg19) VCF-style: chr3-52019883-G-A.
Other names: c.550G>A, p.Asp184Asn (NM_001316331.2); c.280G>A, p.Asp94Asn (NM_001198895.2, NM_001198896.2, NM_001198897.2); c.175G>A, p.Asp59Asn (NM_001198898.2); short protein forms D184N, D59N, D94N.
Identifiers: ClinVar variation 1911182 (VCV001911182.4), dbSNP rs371375777, ClinGen allele CA2428418.

ClinVar aggregate classification (germline): Uncertain significance (1 of 4 stars; one submission).

Allele frequency attached by ClinVar (database versions not stated): TOPMed 0.00002; ExAC 0.00003; gnomAD 0.00004; ESP Exome Variant Server 0.00008; 1000 Genomes Project 30x 0.00016; 1000 Genomes Project 0.00020.
gnomAD v4.1: 21 of 1,613,580 alleles (0.0013%); highest among the groups gnomAD compares: African/African-American, 0.0027%; no homozygotes.

Submission:

Labcorp Genetics (formerly Invitae), Labcorp
Classification: Uncertain significance. Last evaluated: 2023-12-11. Review status: criteria provided, single submitter. Criteria: Invitae Variant Classification Sherloc (09022015). Collection method: clinical testing. Allele origin: germline.
Comment: This sequence change replaces aspartic acid, which is acidic and polar, with asparagine, which is neutral and polar, at codon 94 of the ACY1 protein (p.Asp94Asn). This variant is present in population databases (rs371375777, gnomAD 0.008%). This variant has not been reported in the literature in individuals affected with ACY1-related conditions. ClinVar contains an entry for this variant (Variation ID: 1911182). Advanced modeling of protein sequence and biophysical properties (such as structural, functional, and spatial information, amino acid conservation, physicochemical variation, residue mobility, and thermodynamic stability) performed at Invitae indicates that this missense variant is not expected to disrupt ACY1 protein function with a negative predictive value of 80%. In summary, the available evidence is currently insufficient to determine the role of this variant in disease. Therefore, it has been classified as a Variant of Uncertain Significance.